The following is an entry in ClinVar:

ClinVar aggregate classification (germline): Uncertain significance (1 of 4 stars; one submission).

Conditions:
Hypokalemic periodic paralysis, type 1. Also called: Hypokalemic Periodic Paralysis Type 1 (AD); HypoPP. Identifiers: Orphanet 681, MedGen C3714580, MONDO:0042979, OMIM 170400.
Malignant hyperthermia, susceptibility to, 5 (MHS5). Also called: CACNA1S-Related Malignant Hyperthermia Susceptibility. Identifiers: Orphanet 423, MedGen C1866077, MONDO:0011163, OMIM 601887.

Submission:

Labcorp Genetics (formerly Invitae), Labcorp
Classification: Uncertain significance for Hypokalemic periodic paralysis, type 1; Malignant hyperthermia, susceptibility to, 5. Last evaluated: 2022-07-21. Review status: criteria provided, single submitter. Criteria: Invitae Variant Classification Sherloc (09022015). Collection method: clinical testing. Allele origin: germline.
Comment: This sequence change replaces arginine, which is basic and polar, with threonine, which is neutral and polar, at codon 415 of the CACNA1S protein (p.Arg415Thr). This variant is not present in population databases (gnomAD no frequency). This variant has not been reported in the literature in individuals affected with CACNA1S-related conditions. Advanced modeling of protein sequence and biophysical properties (such as structural, functional, and spatial information, amino acid conservation, physicochemical variation, residue mobility, and thermodynamic stability) performed at Invitae indicates that this missense variant is not expected to disrupt CACNA1S protein function. In summary, the available evidence is currently insufficient to determine the role of this variant in disease. Therefore, it has been classified as a Variant of Uncertain Significance.

NM_000069.3(CACNA1S):c.1244G>C (p.Arg415Thr)

Gene: CACNA1S (calcium voltage-gated channel subunit alpha1 S; minus strand). Cytogenetic location: 1q32.1.
Variant type: single nucleotide variant.
Coding change: c.1244G>C on transcript NM_000069.3 (MANE Select); coding-DNA position 1244, G replaced by C.
Protein change: p.Arg415Thr; replaces arginine 415 with threonine.
Molecular consequence: missense variant.
Genome position (GRCh38, 1-based): chr1:201,083,311, C>G on the plus strand (G>C on the coding strand, the complement: CACNA1S is on the minus strand). VCF-style: chr1-201083311-C-G. GRCh37 (hg19) VCF-style: chr1-201052439-C-G.
Other names: short protein forms R415T.
Identifiers: ClinVar variation 2010374 (VCV002010374.4), dbSNP rs2464590167, ClinGen allele CA344126228.